The following is an entry in ClinVar:

NM_002775.5(HTRA1):c.472+6C>A

Gene: HTRA1 (HtrA serine peptidase 1; plus strand). Cytogenetic location: 10q26.13.
Variant type: single nucleotide variant.
Coding change: c.472+6C>A on transcript NM_002775.5 (MANE Select); 6 bases into the intron after coding-DNA position 472, C replaced by A.
Molecular consequence: intron variant.
Genome position (GRCh38, 1-based): chr10:122,462,130, C>A. VCF-style: chr10-122462130-C-A. GRCh37 (hg19) VCF-style: chr10-124221646-C-A.
Identifiers: ClinVar variation 299048 (VCV000299048.14), dbSNP rs550039968, ClinGen allele CA5725816.

ClinVar aggregate classification (germline): Conflicting classifications of pathogenicity. Review status: criteria provided, conflicting classifications (1 of 4 stars). 4 submissions from 4 submitters: Uncertain significance (1); Likely benign (3). Last evaluated 2026-03-01.

Conditions:
HTRA1-related disorder. Also called: HTRA1-related condition.
Macular degeneration. Also called: Degenerative disorder of macula. Identifiers: MedGen C0024437, MONDO:0003004, HP:0000608.

Allele frequency attached by ClinVar (database versions not stated): ExAC 0.00009; gnomAD 0.00012 and 0.00021; 1000 Genomes Project 0.00020; TOPMed 0.00022; 1000 Genomes Project 30x 0.00031; gnomAD exomes 0.00042 and 0.00049.
gnomAD v4.1: 587 of 1,529,110 alleles (0.038%); highest among the groups gnomAD compares: East Asian, 1.4%; 7 homozygotes.

Submissions (4):

CeGaT Center for Human Genetics Tuebingen
Classification: Likely benign. Last evaluated: 2026-03-01. Review status: criteria provided, single submitter. Criteria: CeGaT Center For Human Genetics Tuebingen Variant Classification Criteria Version 2. Collection method: clinical testing. Allele origin: germline. Affected: yes. Observed: 1 variant allele.
Comment: HTRA1: BP4, BS1

Labcorp Genetics (formerly Invitae), Labcorp
Classification: Likely benign. Last evaluated: 2025-12-02. Review status: criteria provided, single submitter. Criteria: Invitae Variant Classification Sherloc (09022015). Collection method: clinical testing. Allele origin: germline.

PreventionGenetics, part of Exact Sciences
Classification: Likely benign for HTRA1-related condition. Last evaluated: 2024-10-07. Review status: criteria provided, single submitter. Criteria: ACMG Guidelines, 2015. Collection method: clinical testing. Allele origin: germline.
Comment: This variant is classified as likely benign based on ACMG/AMP sequence variant interpretation guidelines (Richards et al. 2015 PMID: 25741868, with internal and published modifications).

Illumina Laboratory Services, Illumina
Classification: Uncertain significance for Macular degeneration. Last evaluated: 2018-01-13. Review status: criteria provided, single submitter. Criteria: ICSL Variant Classification Criteria 13 December 2019. Collection method: clinical testing. Allele origin: germline.